The following is an entry in ClinVar:

ClinVar aggregate classification (germline): Conflicting classifications of pathogenicity. Review status: criteria provided, conflicting classifications (1 of 4 stars). 12 submissions from 12 submitters: Uncertain significance (1); Benign (5); Likely benign (5). 1 of the submissions does not count toward it. Last evaluated 2026-01-27.

Conditions:
Progressive familial heart block type IB (PFHB1B). Identifiers: Orphanet 871, MedGen C1970298, MONDO:0011474, OMIM 604559.
Cardiovascular phenotype. Identifiers: MedGen CN230736.
Conduction disorder of the heart. Also called: Cardiac conduction defect. Identifiers: Orphanet 871, MedGen C0264886, MONDO:0100042, OMIM 115080.
Family history of sudden cardiac death. Identifiers: MedGen C2825161.

Allele frequency attached by ClinVar (database versions not stated): 1000 Genomes Project 0.00160; 1000 Genomes Project 30x 0.00172; ESP Exome Variant Server 0.00224; TOPMed 0.00241; gnomAD 0.00310 and 0.00312; gnomAD exomes 0.00312 and 0.00343; ExAC 0.00378.
gnomAD v4.1: 5,013 of 1,589,480 alleles (0.32%); highest among the groups gnomAD compares: Middle Eastern, 0.61%; 11 homozygotes.

Submissions (12):

Labcorp Genetics (formerly Invitae), Labcorp
Classification: Benign for Progressive familial heart block type IB. Last evaluated: 2026-01-27. Review status: criteria provided, single submitter. Criteria: Invitae Variant Classification Sherloc (09022015). Collection method: clinical testing. Allele origin: germline.

CeGaT Center for Human Genetics Tuebingen
Classification: Benign. Last evaluated: 2025-08-01. Review status: criteria provided, single submitter. Criteria: CeGaT Center For Human Genetics Tuebingen Variant Classification Criteria Version 2. Collection method: clinical testing. Allele origin: germline. Affected: yes. Observed: 6 variant alleles.
Comment: TRPM4: BP4, BS1, BS2

Blueprint Genetics
Classification: Likely benign. Last evaluated: 2024-11-25. Review status: criteria provided, single submitter. Criteria: ACMG Guidelines, 2015. Collection method: clinical testing. Allele origin: germline.

Women's Health and Genetics/Laboratory Corporation of America, LabCorp
Classification: Likely benign. Last evaluated: 2024-10-06. Review status: criteria provided, single submitter. Criteria: LabCorp Variant Classification Summary - May 2015. Collection method: clinical testing. Allele origin: germline.

ARUP Laboratories, Molecular Genetics and Genomics, ARUP Laboratories
Classification: Benign. Last evaluated: 2023-10-11. Review status: criteria provided, single submitter. Criteria: ARUP Molecular Germline Variant Investigation Process 2024. Collection method: clinical testing. Allele origin: germline.

Molecular Diagnostic Laboratory for Inherited Cardiovascular Disease, Montreal Heart Institute
Classification: Likely benign for Conduction disorder of the heart. Last evaluated: 2019-06-10. Review status: criteria provided, single submitter. Criteria: ACMG Guidelines, 2015. Collection method: clinical testing. Allele origin: germline. Affected: yes.

Illumina Laboratory Services, Illumina
Classification: Uncertain significance for Progressive familial heart block type IB. Last evaluated: 2018-01-12. Review status: criteria provided, single submitter. Criteria: ICSL Variant Classification Criteria 13 December 2019. Collection method: clinical testing. Allele origin: germline.

Center for Advanced Laboratory Medicine, UC San Diego Health, University of California San Diego
Classification: Likely benign for Family history of sudden cardiac death. Last evaluated: 2017-02-15. Review status: criteria provided, single submitter. Criteria: ACMG Guidelines, 2015. Collection method: clinical testing. Allele origin: germline. Affected: yes. Observed: 1 variant allele.

GeneDx
Classification: Benign. Last evaluated: 2016-10-17. Review status: criteria provided, single submitter. Criteria: GeneDx Variant Classification (06012015). Collection method: clinical testing. Allele origin: germline. Affected: yes.
Comment: This variant is considered likely benign or benign based on one or more of the following criteria: it is a conservative change, it occurs at a poorly conserved position in the protein, it is predicted to be benign by multiple in silico algorithms, and/or has population frequency not consistent with disease.

Ambry Genetics
Classification: Benign for Cardiovascular phenotype. Last evaluated: 2015-07-16. Review status: criteria provided, single submitter. Criteria: Ambry Variant Classification Scheme 2023. Collection method: clinical testing. Allele origin: germline.

Genome Diagnostics Laboratory, University Medical Center Utrecht
Classification: Likely benign for Progressive familial heart block type IB. Last evaluated: 2014-10-09. Review status: criteria provided, single submitter. Criteria: ACGS Guidelines, 2013. Collection method: clinical testing. Allele origin: germline. Affected: yes. Study: VKGL Data-share Consensus.

Clinical Genetics, Academic Medical Center
Classification: Benign. Review status: no assertion criteria provided. Collection method: clinical testing. Allele origin: germline. Affected: yes. Study: VKGL Data-share Consensus. Not counted in ClinVar's aggregate classification.

Literature cited by the submitters: PubMed 21887725 (cited by Ambry Genetics); PubMed 23382873 (cited by Ambry Genetics); PubMed 25416190 (cited by Ambry Genetics).

NM_017636.4(TRPM4):c.3611C>T (p.Pro1204Leu)

Gene: TRPM4 (transient receptor potential cation channel subfamily M member 4; plus strand). Cytogenetic location: 19q13.33.
Variant type: single nucleotide variant.
Coding change: c.3611C>T on transcript NM_017636.4 (MANE Select); coding-DNA position 3611, C replaced by T.
Protein change: p.Pro1204Leu; replaces proline 1204 with leucine.
Molecular consequence: missense variant.
Genome position (GRCh38, 1-based): chr19:49,211,240, C>T. VCF-style: chr19-49211240-C-T. GRCh37 (hg19) VCF-style: chr19-49714497-C-T.
Other names: c.3176C>T, p.Pro1059Leu (NM_001195227.2); c.3266C>T, p.Pro1089Leu (NM_001321281.2); c.2003C>T, p.Pro668Leu (NM_001321282.2); c.3089C>T, p.Pro1030Leu (NM_001321283.2); c.2549C>T, p.Pro850Leu (NM_001321285.2); short protein forms P1204L, P1059L, P668L, P850L, P1030L, P1089L.
Identifiers: ClinVar variation 381692 (VCV000381692.91), dbSNP rs150391806, ClinGen allele CA9569982.